The following is an entry in ClinVar:

NM_015192.4(PLCB1):c.2570C>T (p.Thr857Met)

Gene: PLCB1 (phospholipase C beta 1; plus strand). Cytogenetic location: 20p12.3.
Variant type: single nucleotide variant.
Coding change: c.2570C>T on transcript NM_015192.4 (MANE Select); coding-DNA position 2570, C replaced by T.
Protein change: p.Thr857Met; replaces threonine 857 with methionine.
Molecular consequence: missense variant.
Genome position (GRCh38, 1-based): chr20:8,757,092, C>T. VCF-style: chr20-8757092-C-T. GRCh37 (hg19) VCF-style: chr20-8737739-C-T.
Other names: c.2570C>T, p.Thr857Met (NM_182734.3); short protein forms T857M.
Identifiers: ClinVar variation 339511 (VCV000339511.23), dbSNP rs184436336, ClinGen allele CA9760315.
Genomic context (GRCh38, chr20:8,757,092, plus strand): 5'-ATTTATAATTTTAGGCTGATCCTGGAGAAACACCATCAGAGGCTCCAAGTGAAGCGAGAA[C>T]GACTCCAGCAGAAAATGGGGTGAATCACACTACAACCCTGACACCCAAGCCACCCTCCCA-3'
Protein context (NP_056007.1, residues 847-867): TPSEAPSEAR[Thr857Met]TPAENGVNHT

ClinVar aggregate classification (germline): Conflicting classifications of pathogenicity. Review status: criteria provided, conflicting classifications (1 of 4 stars). 6 submissions from 6 submitters: Uncertain significance (4); Likely benign (2). Last evaluated 2026-05-06.

Conditions:
Inborn genetic diseases. Identifiers: MedGen C0950123, MeSH D030342.
Developmental and epileptic encephalopathy, 12 (DEE12). Identifiers: MedGen C3150988, MONDO:0013389, OMIM 613722.

Allele frequency attached by ClinVar (database versions not stated): ESP Exome Variant Server 0.00008; gnomAD exomes 0.00009; gnomAD 0.00030 and 0.00032; TOPMed 0.00039; 1000 Genomes Project 30x 0.00109; 1000 Genomes Project 0.00120.
gnomAD v4.1: 150 of 1,613,114 alleles (0.0093%); highest among the groups gnomAD compares: African/African-American, 0.12%; no homozygotes.

Submissions (6):

Ambry Genetics
Classification: Likely benign for Inborn genetic diseases. Last evaluated: 2026-05-06. Review status: criteria provided, single submitter. Criteria: Ambry Variant Classification Scheme 2023. Collection method: clinical testing. Allele origin: germline.

Blueprint Genetics
Classification: Uncertain significance. Last evaluated: 2024-03-05. Review status: criteria provided, single submitter. Criteria: ACMG Guidelines, 2015. Collection method: clinical testing. Allele origin: germline.

Labcorp Genetics (formerly Invitae), Labcorp
Classification: Uncertain significance for Developmental and epileptic encephalopathy, 12. Last evaluated: 2022-10-13. Review status: criteria provided, single submitter. Criteria: Invitae Variant Classification Sherloc (09022015). Collection method: clinical testing. Allele origin: germline.
Comment: This sequence change replaces threonine, which is neutral and polar, with methionine, which is neutral and non-polar, at codon 857 of the PLCB1 protein (p.Thr857Met). This variant is present in population databases (rs184436336, gnomAD 0.07%). This variant has not been reported in the literature in individuals affected with PLCB1-related conditions. ClinVar contains an entry for this variant (Variation ID: 339511). Algorithms developed to predict the effect of missense changes on protein structure and function (SIFT, PolyPhen-2, Align-GVGD) all suggest that this variant is likely to be tolerated. In summary, the available evidence is currently insufficient to determine the role of this variant in disease. Therefore, it has been classified as a Variant of Uncertain Significance.

Laboratorio de Genetica e Diagnostico Molecular, Hospital Israelita Albert Einstein
Classification: Likely benign. Last evaluated: 2019-12-25. Review status: criteria provided, single submitter. Criteria: ACMG Guidelines, 2015. Collection method: clinical testing. Allele origin: germline. Affected: yes.
Comment: ACMG classification criteria: BP1, BP4

Baylor Genetics
Classification: Uncertain significance for Developmental and epileptic encephalopathy, 12. Last evaluated: 2018-04-17. Review status: criteria provided, single submitter. Criteria: ACMG Guidelines, 2015. Collection method: clinical testing. Allele origin: unknown. Affected: yes.
Comment: This variant was determined to be of uncertain significance according to ACMG Guidelines, 2015 [PMID:25741868].

Eurofins Ntd Llc (ga)
Classification: Uncertain significance. Last evaluated: 2018-04-16. Review status: criteria provided, single submitter. Criteria: EGL ClinVar v180209 classification definitions. Collection method: clinical testing. Allele origin: germline. Observed: 1 variant allele, 1 heterozygote.